The following is an entry in ClinVar:

NM_001572.5(IRF7):c.620C>G (p.Pro207Arg)

Gene: IRF7 (interferon regulatory factor 7; minus strand). Cytogenetic location: 11p15.5.
Variant type: single nucleotide variant.
Coding change: c.620C>G on transcript NM_001572.5 (MANE Select); coding-DNA position 620, C replaced by G.
Protein change: p.Pro207Arg; replaces proline 207 with arginine.
Molecular consequence: missense variant.
Genome position (GRCh38, 1-based): chr11:614,233, G>C on the plus strand (C>G on the coding strand, the complement: IRF7 is on the minus strand). VCF-style: chr11-614233-G-C. GRCh37 (hg19) VCF-style: chr11-614233-G-C.
Other names: c.620C>G, p.Pro207Arg (NM_004029.4); c.659C>G, p.Pro220Arg (NM_004031.4); short protein forms P207R, P220R.
Identifiers: ClinVar variation 1512854 (VCV001512854.8), dbSNP rs750677862, ClinGen allele CA5783891.
Genomic context (GRCh38, chr11:614,233, plus strand): 5'-CCTCCAGCACAGGCCCCAGTCAGGGGAAGCCCTTCTTGTCCCTCTCCAGGAGCCTTGGTT[G>C]GGACTGGATCTGCCCCCCATGACGCTGTCAGCAGATGGTCTGCCAGGCAGCTCTGTTGCA-3'
Protein context (NP_001563.2, residues 197-217): LTASWGADPV[Pro207Arg]TKAPGEGQEG

ClinVar aggregate classification (germline): Uncertain significance (1 of 4 stars; one submission).

Conditions:
Immunodeficiency 39 (IMD39). Identifiers: Orphanet 574918, MedGen C4225358, MONDO:0014597, OMIM 616345.

Allele frequency attached by ClinVar (database versions not stated): gnomAD exomes below 0.00001; ExAC 0.00001.

Submission:

Labcorp Genetics (formerly Invitae), Labcorp
Classification: Uncertain significance for Immunodeficiency 39. Last evaluated: 2020-12-27. Review status: criteria provided, single submitter. Criteria: Invitae Variant Classification Sherloc (09022015). Collection method: clinical testing. Allele origin: germline.
Comment: In summary, the available evidence is currently insufficient to determine the role of this variant in disease. Therefore, it has been classified as a Variant of Uncertain Significance. Algorithms developed to predict the effect of missense changes on protein structure and function are either unavailable or do not agree on the potential impact of this missense change (SIFT: "Deleterious"; PolyPhen-2: "Probably Damaging"; Align-GVGD: "Class C0"). This variant has not been reported in the literature in individuals with IRF7-related conditions. This variant is present in population databases (rs750677862, ExAC 0.002%). This sequence change replaces proline with arginine at codon 220 of the IRF7 protein (p.Pro220Arg). The proline residue is moderately conserved and there is a moderate physicochemical difference between proline and arginine.